The following is an entry in ClinVar:

ClinVar aggregate classification (germline): Benign. Review status: criteria provided, multiple submitters, no conflicts (2 of 4 stars). 6 submissions from 5 submitters: Benign (5). 1 of the submissions does not count toward it. Last evaluated 2026-02-04.

Conditions:
Mitochondrial complex I deficiency, nuclear type 1. Also called: NADH-COENZYME Q REDUCTASE DEFICIENCY; MITOCHONDRIAL NADH DEHYDROGENASE COMPONENT OF COMPLEX I, DEFICIENCY OF. Identifiers: MedGen C6022305, MONDO:0100224, OMIM 252010.
Leigh syndrome (NULS). Also called: Leigh Disease; Leigh Syndrome (mtDNA deletion); Subacute necrotizing encephalopathy; Necrotizing encephalopathy infantile subacute of Leigh; Leigh's necrotizing encephalopathy; Leigh's disease. Identifiers: Orphanet 506, MedGen C2931891, MONDO:0009723, OMIM 256000.

Allele frequency attached by ClinVar (database versions not stated): ESP Exome Variant Server 0.03640; gnomAD 0.05515 and 0.06060; TOPMed 0.06594; 1000 Genomes Project 30x 0.11852; 1000 Genomes Project 0.12161.
gnomAD v4.1: 70,660 of 1,612,552 alleles (4.4%); highest among the groups gnomAD compares: East Asian, 25%; 3,963 homozygotes.

Submissions (6):

Labcorp Genetics (formerly Invitae), Labcorp
Classification: Benign. Last evaluated: 2026-02-04. Review status: criteria provided, single submitter. Criteria: Invitae Variant Classification Sherloc (09022015). Collection method: clinical testing. Allele origin: germline.

Illumina Laboratory Services, Illumina
Classification: Benign for Mitochondrial complex I deficiency, nuclear type 1. Last evaluated: 2018-01-12. Review status: criteria provided, single submitter. Criteria: ICSL Variant Classification Criteria 13 December 2019. Collection method: clinical testing. Allele origin: germline.
Comment: This variant was observed in the ICSL laboratory as part of a predisposition screen in an ostensibly healthy population. It had not been previously curated by ICSL or reported in the Human Gene Mutation Database (HGMD: prior to June 1st, 2018), and was therefore a candidate for classification through an automated scoring system. Utilizing variant allele frequency, disease prevalence and penetrance estimates, and inheritance mode, an automated score was calculated to assess if this variant is too frequent to cause the disease. Based on the score and internal cut-off values, a variant classified as benign is not then subjected to further curation. The score for this variant resulted in a classification of benign for this disease.

Illumina Laboratory Services, Illumina
Classification: Benign for Leigh syndrome. Last evaluated: 2018-01-12. Review status: criteria provided, single submitter. Criteria: ICSL Variant Classification Criteria 13 December 2019. Collection method: clinical testing. Allele origin: germline.
Comment: the same text as in the submission from Illumina Laboratory Services, Illumina above.

GeneDx
Classification: Benign. Last evaluated: 2012-04-26. Review status: criteria provided, single submitter. Criteria: GeneDx Variant Classification (06012015). Collection method: clinical testing. Allele origin: germline. Affected: yes.
Comment: This variant is considered likely benign or benign based on one or more of the following criteria: it is a conservative change, it occurs at a poorly conserved position in the protein, it is predicted to be benign by multiple in silico algorithms, and/or has population frequency not consistent with disease.

Breakthrough Genomics
Classification: Benign. Review status: criteria provided, single submitter. Criteria: ACMG Guidelines, 2015. Collection method: not provided. Allele origin: germline. Inheritance: Autosomal recessive inheritance. Affected: yes.

Mayo Clinic Laboratories, Mayo Clinic
Classification: Benign. Last evaluated: 2016-02-24. Review status: no assertion criteria provided. Collection method: clinical testing. Allele origin: unknown. Not counted in ClinVar's aggregate classification.

NM_024407.5(NDUFS7):c.408+10G>T

Gene: NDUFS7 (NADH:ubiquinone oxidoreductase core subunit S7; plus strand). Cytogenetic location: 19p13.3.
Variant type: single nucleotide variant.
Coding change: c.408+10G>T on transcript NM_024407.5 (MANE Select); 10 bases into the intron after coding-DNA position 408, G replaced by T.
Molecular consequence: intron variant.
Genome position (GRCh38, 1-based): chr19:1,391,060, G>T. VCF-style: chr19-1391060-G-T. GRCh37 (hg19) VCF-style: chr19-1391059-G-T.
Other names: c.408+10G>T (NM_001363602.2).
Identifiers: ClinVar variation 138498 (VCV000138498.18), dbSNP rs2074896, ClinGen allele CA292513.